The following is an entry in ClinVar:

NM_001374828.1(ARID1B):c.1544G>A (p.Ser515Asn)

Gene: ARID1B (AT-rich interaction domain 1B; plus strand). Cytogenetic location: 6q25.3.
Variant type: single nucleotide variant.
Coding change: c.1544G>A on transcript NM_001374828.1 (MANE Select); coding-DNA position 1544, G replaced by A.
Protein change: p.Ser515Asn; replaces serine 515 with asparagine.
Molecular consequence: missense variant.
Genome position (GRCh38, 1-based): chr6:156,779,224, G>A. VCF-style: chr6-156779224-G-A. GRCh37 (hg19) VCF-style: chr6-157100358-G-A.
Other names: c.1295G>A (NM_020732.3); c.1544G>A, p.Ser515Asn (NM_001371656.1, NM_001374820.1, NM_017519.3); short protein forms S515N.
Identifiers: ClinVar variation 1309271 (VCV001309271.2), dbSNP rs1297021537, ClinGen allele CA366384773.

ClinVar aggregate classification (germline): Uncertain significance (1 of 4 stars; one submission).

Allele frequency attached by ClinVar (database versions not stated): gnomAD 0.00001; gnomAD exomes 0.00001.
gnomAD v4.1: 12 of 1,265,876 alleles (0.00095%); highest among the groups gnomAD compares: Non-Finnish European, 0.0011%; no homozygotes.

Submission:

GeneDx
Classification: Uncertain significance. Last evaluated: 2019-10-23. Review status: criteria provided, single submitter. Criteria: GeneDx Variant Classification Process June 2021. Collection method: clinical testing. Allele origin: germline. Affected: yes.
Comment: In silico analysis, which includes protein predictors and evolutionary conservation, supports that this variant does not alter protein structure/function; Has not been previously published as pathogenic or benign to our knowledge